The following is an entry in ClinVar:

NM_006080.3(SEMA3A):c.743G>A (p.Arg248His)

Gene: SEMA3A (semaphorin 3A; minus strand). Cytogenetic location: 7q21.11.
Variant type: single nucleotide variant.
Coding change: c.743G>A on transcript NM_006080.3 (MANE Select); coding-DNA position 743, G replaced by A.
Protein change: p.Arg248His; replaces arginine 248 with histidine.
Molecular consequence: missense variant.
Genome position (GRCh38, 1-based): chr7:84,014,276, C>T on the plus strand (G>A on the coding strand, the complement: SEMA3A is on the minus strand). VCF-style: chr7-84014276-C-T. GRCh37 (hg19) VCF-style: chr7-83643592-C-T.
Other names: short protein forms R248H.
Identifiers: ClinVar variation 2252886 (VCV002252886.5), dbSNP rs200588059, ClinGen allele CA4322928.
Genomic context (GRCh38, chr7:84,014,276, plus strand): 5'-ATCTGACCTATTCTAGCGTGAGTAGCTTTTCCAGAGTGTTCTCCATCTATTGCATTTTCA[C>T]GGAAGAAAAAGTATACTTTGTCATCTTCAGGATTGTCACTCTCTGAGATGAGGTGGGCAC-3'
Protein context (NP_006071.1, residues 238-258): PEDDKVYFFF[Arg248His]ENAIDGEHSG

ClinVar aggregate classification (germline): Uncertain significance. Review status: criteria provided, single submitter (1 of 4 stars). 2 submissions from 2 submitters: Uncertain significance (1). 1 of the submissions does not count toward it. Last evaluated 2021-09-30.

Conditions:
Inborn genetic diseases. Identifiers: MedGen C0950123, MeSH D030342.
SEMA3A-related disorder. Also called: SEMA3A-related condition.

Allele frequency attached by ClinVar (database versions not stated): TOPMed 0.00006; ExAC 0.00007; gnomAD 0.00007; gnomAD exomes 0.00016.
gnomAD v4.1: 241 of 1,612,740 alleles (0.015%); highest among the groups gnomAD compares: Non-Finnish European, 0.019%; no homozygotes.

Submissions (2):

Ambry Genetics
Classification: Uncertain significance for Inborn genetic diseases. Last evaluated: 2021-09-30. Review status: criteria provided, single submitter. Criteria: Ambry Variant Classification Scheme 2023. Collection method: clinical testing. Allele origin: germline.

PreventionGenetics, part of Exact Sciences
Classification: Uncertain significance for SEMA3A-related condition. Last evaluated: 2024-05-01. Review status: no assertion criteria provided. Collection method: clinical testing. Allele origin: germline. Not counted in ClinVar's aggregate classification.
Comment: The SEMA3A c.743G>A variant is predicted to result in the amino acid substitution p.Arg248His. To our knowledge, this variant has not been reported in the literature. This variant is reported in 0.012% of alleles in individuals of European (Non-Finnish) descent in gnomAD, which may be too common to be an undocumented cause of disease. Although we suspect that this variant may be benign, at this time, the clinical significance of this variant is uncertain due to the absence of conclusive functional and genetic evidence.